The following is an entry in ClinVar:

ClinVar aggregate classification (germline): Benign. Review status: criteria provided, multiple submitters, no conflicts (2 of 4 stars). 3 submissions from 3 submitters: Benign (3). Last evaluated 2019-08-20.

Conditions:
Bartter disease type 1. Also called: HYPERPROSTAGLANDIN E SYNDROME 1; HYPOKALEMIC ALKALOSIS WITH HYPERCALCIURIA 1, ANTENATAL; Bartter syndrome, type 1, antenatal; Bartter Syndrome type 1. Identifiers: Orphanet 112, Orphanet 620217, MedGen C1866495, MONDO:0100344, OMIM 601678, MONDO:0011127.

Allele frequency attached by ClinVar (database versions not stated): 1000 Genomes Project 0.69609; 1000 Genomes Project 30x 0.69722; TOPMed 0.80756; gnomAD 0.82201 and 0.82288; gnomAD exomes 0.91526.
gnomAD v4.1: 198,291 of 231,926 alleles (85%); highest among the groups gnomAD compares: Non-Finnish European, 98%; 88,845 homozygotes.

Submissions (3):

GeneDx
Classification: Benign. Last evaluated: 2019-08-20. Review status: criteria provided, single submitter. Criteria: GeneDx Variant Classification Process June 2021. Collection method: clinical testing. Allele origin: germline. Affected: yes.

Illumina Laboratory Services, Illumina
Classification: Benign for Bartter disease type 1. Last evaluated: 2018-01-13. Review status: criteria provided, single submitter. Criteria: ICSL Variant Classification Criteria 13 December 2019. Collection method: clinical testing. Allele origin: germline.
Comment: This variant was observed in the ICSL laboratory as part of a predisposition screen in an ostensibly healthy population. It had not been previously curated by ICSL or reported in the Human Gene Mutation Database (HGMD: prior to June 1st, 2018), and was therefore a candidate for classification through an automated scoring system. Utilizing variant allele frequency, disease prevalence and penetrance estimates, and inheritance mode, an automated score was calculated to assess if this variant is too frequent to cause the disease. Based on the score and internal cut-off values, a variant classified as benign is not then subjected to further curation. The score for this variant resulted in a classification of benign for this disease.

Breakthrough Genomics
Classification: Benign. Review status: criteria provided, single submitter. Criteria: ACMG Guidelines, 2015. Collection method: not provided. Allele origin: germline. Inheritance: Autosomal recessive inheritance. Affected: yes.

NM_000338.3(SLC12A1):c.*284A>G

Gene: SLC12A1 (solute carrier family 12 member 1; plus strand). Cytogenetic location: 15q21.1.
Variant type: single nucleotide variant.
Coding change: c.*284A>G on transcript NM_000338.3 (MANE Select); 284 bases downstream of the stop codon, A replaced by G.
Molecular consequence: 3 prime UTR variant.
Genome position (GRCh38, 1-based): chr15:48,303,169, A>G. VCF-style: chr15-48303169-A-G. GRCh37 (hg19) VCF-style: chr15-48595366-A-G.
Other names: c.*284A>G (NM_001184832.2).
Identifiers: ClinVar variation 316290 (VCV000316290.9), dbSNP rs12902028, ClinGen allele CA10642065.
Genomic context (GRCh38, chr15:48,303,169, plus strand): 5'-TTTGTCACTGCTGTTGATAAACAAGAAAATCAAGGAAACTCATGTTGGCTTATGCTCATG[A>G]AAACCACCAATGTGATTGTAAACTTCTCCAGACAAACTTAACCTTTTGTTTCTTAATTTT-3'